The following is an entry in ClinVar:

ClinVar aggregate classification (germline): Likely benign (1 of 4 stars; one submission).

Conditions:
Malignant hyperthermia, susceptibility to, 1 (MHS1). Also called: Anesthesia related hyperthermia; Malignant hyperpyrexia; Fulminating hyperpyrexia; Pharmacogenic myopathy; RYR1-Related Malignant Hyperthermia Susceptibility; Malignant hyperthermia suceptibility 1. Identifiers: Orphanet 423, MedGen C2930980, MONDO:0007783, OMIM 145600.

Submission:

All of Us Research Program, National Institutes of Health
Classification: Likely benign for Malignant hyperthermia, susceptibility to, 1. Last evaluated: 2023-06-08. Review status: criteria provided, single submitter. Criteria: ACMG Guidelines, 2015. Collection method: clinical testing. Allele origin: germline. Inheritance: Autosomal dominant inheritance. Observed: 1 variant allele, 1 heterozygote.
Comment: This study involves interpretation of variants in research participants for the purpose of population health screening. Participant phenotype was not available at the time of variant classification. Additional details can be found in publication PMID: 35346344, PMCID: PMC8962531

NM_000540.3(RYR1):c.11082G>A (p.Lys3694=)

Gene: RYR1 (ryanodine receptor 1; plus strand). Cytogenetic location: 19q13.2.
Variant type: single nucleotide variant.
Coding change: c.11082G>A on transcript NM_000540.3 (MANE Select); coding-DNA position 11082, G replaced by A.
Protein change: p.Lys3694=; no amino-acid change (lysine 3694 retained).
Molecular consequence: synonymous variant.
Genome position (GRCh38, 1-based): chr19:38,528,998, G>A. VCF-style: chr19-38528998-G-A. GRCh37 (hg19) VCF-style: chr19-39019638-G-A.
Other names: c.11067G>A, p.Lys3689= (NM_001042723.2).
Identifiers: ClinVar variation 3071665 (VCV003071665.1), dbSNP rs928969739, ClinGen allele CA507237983.